The following is an entry in ClinVar:

ClinVar aggregate classification (germline): Likely pathogenic (1 of 4 stars; one submission).

Conditions:
Ehlers-Danlos syndrome, classic type, 1 (EDSCL1). Also called: Ehlers-Danlos syndrome, type 1; Ehlers-Danlos Syndrome, Classic Type, COL5A1-Related; EDS I; EHLERS-DANLOS SYNDROME, GRAVIS TYPE; EHLERS-DANLOS SYNDROME, SEVERE CLASSIC TYPE. Identifiers: MedGen C0268335, MONDO:0019567, OMIM 130000.

Submission:

Labcorp Genetics (formerly Invitae), Labcorp
Classification: Likely pathogenic for Ehlers-Danlos syndrome, classic type, 1. Last evaluated: 2019-02-08. Review status: criteria provided, single submitter. Criteria: Invitae Variant Classification Sherloc (09022015). Collection method: clinical testing. Allele origin: germline.
Comment: Donor and acceptor splice site variants typically lead to a loss of protein function (PMID: 16199547), and loss-of-function variants in COL5A1 are known to be pathogenic (PMID: 23587214). In summary, the currently available evidence indicates that the variant is pathogenic, but additional data are needed to prove that conclusively. Therefore, this variant has been classified as Likely Pathogenic. Algorithms developed to predict the effect of sequence changes on RNA splicing suggest that this variant may disrupt the consensus splice site, but this prediction has not been confirmed by published transcriptional studies. This variant has not been reported in the literature in individuals with COL5A1-related conditions. This variant is not present in population databases (ExAC no frequency). This sequence change affects a donor splice site in intron 13 of the COL5A1 gene. It is expected to disrupt RNA splicing and likely results in an absent or disrupted protein product.

Literature cited by the submitters: PubMed 16199547; PubMed 23587214.

NM_000093.5(COL5A1):c.1662+1G>A

Gene: COL5A1 (collagen type V alpha 1 chain; plus strand). Cytogenetic location: 9q34.3.
Variant type: single nucleotide variant.
Coding change: c.1662+1G>A on transcript NM_000093.5 (MANE Select); the canonical splice donor site of the intron after coding-DNA position 1662, G replaced by A.
Molecular consequence: splice donor variant.
Genome position (GRCh38, 1-based): chr9:134,750,883, G>A. VCF-style: chr9-134750883-G-A. GRCh37 (hg19) VCF-style: chr9-137642729-G-A.
Other names: c.1662+1G>A (NM_001278074.1).
Identifiers: ClinVar variation 847334 (VCV000847334.9), dbSNP rs1835753446, ClinGen allele CA375444170.
Genomic context (GRCh38, chr9:134,750,883, plus strand): 5'-AAAGGCCCCATGGTCTCAGCCCAGGAGTCCCAGGCGCAAGCCATTCTCCAGCAGGCCAGG[G>A]TGAGTACTGCTGGGTCCCAAGAGGCCTGAAGGGGACAGAGCCCAGCCCCAGGGGCCAACA-3'